The following is an entry in ClinVar:

NM_000257.4(MYH7):c.3126G>T (p.Lys1042Asn)

Gene: MYH7 (myosin heavy chain 7; minus strand). Cytogenetic location: 14q11.2.
Variant type: single nucleotide variant.
Coding change: c.3126G>T on transcript NM_000257.4 (MANE Select); coding-DNA position 3126, G replaced by T.
Protein change: p.Lys1042Asn; replaces lysine 1042 with asparagine.
Molecular consequence: missense variant.
Genome position (GRCh38, 1-based): chr14:23,422,299, C>A on the plus strand (G>T on the coding strand, the complement: MYH7 is on the minus strand). VCF-style: chr14-23422299-C-A. GRCh37 (hg19) VCF-style: chr14-23891508-C-A.
Other names: p.K1042N:AAG>AAT; c.3126G>T (LRG_384t1); short protein forms K1042N.
Identifiers: ClinVar variation 181213 (VCV000181213.10), dbSNP rs730880766, ClinGen allele CA013364.

ClinVar aggregate classification (germline): Conflicting classifications of pathogenicity. Review status: criteria provided, conflicting classifications (1 of 4 stars). 3 submissions from 3 submitters: Likely pathogenic (1); Uncertain significance (2). Last evaluated 2023-10-02.

Conditions:
Hypertrophic cardiomyopathy. Also called: HYPERTROPHIC MYOCARDIOPATHY. Identifiers: Orphanet 217569, MedGen C0007194, MeSH D002312, MONDO:0005045, HP:0001639.

Allele frequency attached by ClinVar (database versions not stated): TOPMed below 0.00001; gnomAD exomes 0.00001.
gnomAD v4.1: 9 of 1,614,208 alleles (0.00056%); highest among the groups gnomAD compares: Non-Finnish European, 0.00059%; no homozygotes.

Submissions (3):

All of Us Research Program, National Institutes of Health
Classification: Uncertain significance for Hypertrophic cardiomyopathy. Last evaluated: 2023-10-02. Review status: criteria provided, single submitter. Criteria: ACMG Guidelines, 2015. Collection method: clinical testing. Allele origin: germline. Inheritance: Autosomal dominant inheritance. Observed: 1 variant allele, 1 heterozygote.
Comment: To date, this variant has not been reported in association with human disease in the medical literature. This variant is located in a domain of the protein where other pathogenic or likely pathogenic variants have been described. This variant is absent from or rare in large population databases, including the Genome Aggregation Database. This variant is predicted to be deleterious by in silico analysis. This prediction has not been confirmed by functional studies.

This study involves interpretation of variants in research participants for the purpose of population health screening. Participant phenotype was not available at the time of variant classification. Additional details can be found in publication PMID: 35346344, PMCID: PMC8962531

Labcorp Genetics (formerly Invitae), Labcorp
Classification: Uncertain significance for Hypertrophic cardiomyopathy. Last evaluated: 2021-02-17. Review status: criteria provided, single submitter. Criteria: Invitae Variant Classification Sherloc (09022015). Collection method: clinical testing. Allele origin: germline.
Comment: This variant has not been reported in the literature in individuals with MYH7-related conditions. ClinVar contains an entry for this variant (Variation ID: 181213). In summary, the available evidence is currently insufficient to determine the role of this variant in disease. Therefore, it has been classified as a Variant of Uncertain Significance. Algorithms developed to predict the effect of missense changes on protein structure and function are either unavailable or do not agree on the potential impact of this missense change (SIFT: "Deleterious"; PolyPhen-2: "Probably Damaging"; Align-GVGD: "Class C0"). This variant is not present in population databases (ExAC no frequency). This sequence change replaces lysine with asparagine at codon 1042 of the MYH7 protein (p.Lys1042Asn). The lysine residue is highly conserved and there is a moderate physicochemical difference between lysine and asparagine.

GeneDx
Classification: Likely pathogenic. Last evaluated: 2014-03-16. Review status: criteria provided, single submitter. Criteria: GeneDx Variant Classification (06012015). Collection method: clinical testing. Allele origin: germline. Affected: yes.
Comment: p.Lys1042Asn (AAG>AAT): c.3126 G>T in exon 25 of the MYH7 gene (NM_000257.2). A K1042N variant that is likely pathogenic was identified in the MYH7 gene. It has not been published as a mutation, nor has it been reported as a benign polymorphism to our knowledge. The K1042N variant was not observed in approximately 6,500 individuals of European and African American ancestry in the NHLBI Exome Sequencing Project, indicating it is not a common benign variant in these populations. The K1042N variant is a semi-conservative amino acid substitution, which may impact secondary protein structure as these residues differ in some properties. This substitution occurs at a position that is conserved across species. In silico analysis predicts this variant is probably damaging to the protein structure/function. Missense mutations in nearby residues (R1045H, R1045C, V1044A, L1038P) have been reported in association with cardiomyopathy, supporting the functional importance of this region of the protein. Therefore, this variant is a strong candidate for a pathogenic mutation, however the possibility that it is a benign variant cannot be excluded. The variant is found in HCM panel(s).